The following is an entry in ClinVar:

ClinVar aggregate classification (germline): Likely benign. Review status: criteria provided, single submitter (1 of 4 stars). 2 submissions from 2 submitters: Likely benign (1). 1 of the submissions does not count toward it. Last evaluated 2024-11-22.

Conditions:
ACTN4-related disorder. Also called: ACTN4-related condition.

Submissions (2):

Blueprint Genetics
Classification: Likely benign. Last evaluated: 2024-11-22. Review status: criteria provided, single submitter. Criteria: ACMG Guidelines, 2015. Collection method: clinical testing. Allele origin: germline.

PreventionGenetics, part of Exact Sciences
Classification: Likely benign for ACTN4-related condition. Last evaluated: 2019-03-18. Review status: no assertion criteria provided. Collection method: clinical testing. Allele origin: germline. Not counted in ClinVar's aggregate classification.
Comment: This variant is classified as likely benign based on ACMG/AMP sequence variant interpretation guidelines (Richards et al. 2015 PMID: 25741868, with internal and published modifications).

NM_004924.6(ACTN4):c.819+915TC[5]

Gene: ACTN4 (actinin alpha 4; plus strand). Cytogenetic location: 19q13.2.
Variant type: Microsatellite.
Coding change: c.819+915TC[5] on transcript NM_004924.6 (MANE Select); five copies in a row of the 2-base unit TC starting at c.819+915.
Molecular consequence: intron variant.
Genome position: GRCh38 VCF-style: chr19-38711256-TTC-T. GRCh37 (hg19) VCF-style: chr19-39201896-TTC-T.
Other names: c.734-19TC[5] (NM_001411143.1, NM_001322033.2).
Identifiers: ClinVar variation 3055301 (VCV003055301.3), dbSNP rs749086300, ClinGen allele CA9417425.
Genomic context (GRCh38, chr19:38,711,256, plus strand): 5'-CCTCAGGCCGGCCCGGCCGCCCTCCCTGCGTCTTTCACTCTCTCCTGCCTCTCTCTCTCT[TTC>T]TCTCTCTCTCTGTGCAGATATTGTGGGCACTCTGAGGCCAGATGAGAAGGCCATCATGAC-3'